The following is an entry in ClinVar:

ClinVar aggregate classification (germline): Pathogenic (1 of 4 stars; one submission).

Conditions:
Deficiency of 3-hydroxyacyl-CoA dehydrogenase. Also called: HADH DEFICIENCY; 3-hydroxyacyl-CoA dehydrogenase deficiency. Identifiers: Orphanet 309127, Orphanet 71212, MedGen C1291230, MONDO:0017715, OMIM 231530.

Submission:

Labcorp Genetics (formerly Invitae), Labcorp
Classification: Pathogenic for Deficiency of 3-hydroxyacyl-CoA dehydrogenase. Last evaluated: 2023-09-27. Review status: criteria provided, single submitter. Criteria: Invitae Variant Classification Sherloc (09022015). Collection method: clinical testing. Allele origin: germline.
Comment: For these reasons, this variant has been classified as Pathogenic. Algorithms developed to predict the effect of sequence changes on RNA splicing suggest that this variant may disrupt the consensus splice site. This variant has not been reported in the literature in individuals affected with HADH-related conditions. This variant is not present in population databases (gnomAD no frequency). This sequence change creates a premature translational stop signal (p.Leu222Glyfs*12) in the HADH gene. It is expected to result in an absent or disrupted protein product. Loss-of-function variants in HADH are known to be pathogenic (PMID: 8825408).

Literature cited by the submitters: PubMed 8825408.

NM_005327.7(HADH):c.664_668del (p.Leu222fs)

Gene: HADH (hydroxyacyl-CoA dehydrogenase; plus strand). Cytogenetic location: 4q25.
Variant type: Deletion.
Coding change: c.664_668del on transcript NM_005327.7 (MANE Select); coding-DNA positions 664 to 668, 5 bases deleted (CTCCT; older notation c.664_668delCTCCT).
Protein change: p.Leu222fs; shifts the reading frame from leucine 222.
Molecular consequence: frameshift variant.
Genome position (GRCh38, 1-based): chr4:108,027,715-108,027,719, CTCCT deleted. VCF-style (leftmost placement, unchanged base first): chr4-108027714-CCTCCT-C. GRCh37 (hg19) VCF-style: chr4-108948870-CCTCCT-C.
Other names: c.676_680del, p.Leu226fs (NM_001331027.2); c.664_668del, p.Leu222fs (NM_001184705.4); short protein forms L222fs, L226fs.
Identifiers: ClinVar variation 2809363 (VCV002809363.3), dbSNP rs2477270617, ClinGen allele CA2739270233.